The following is an entry in ClinVar:

ClinVar aggregate classification (germline): Uncertain significance (1 of 4 stars; one submission).

Allele frequency attached by ClinVar (database versions not stated): gnomAD exomes below 0.00001; TOPMed 0.00002.
gnomAD v4.1: 3 of 1,602,892 alleles (0.00019%); highest among the groups gnomAD compares: Non-Finnish European, 0.00026%; no homozygotes.

Submission:

Labcorp Genetics (formerly Invitae), Labcorp
Classification: Uncertain significance. Last evaluated: 2022-06-20. Review status: criteria provided, single submitter. Criteria: Invitae Variant Classification Sherloc (09022015). Collection method: clinical testing. Allele origin: germline.
Comment: This sequence change replaces alanine, which is neutral and non-polar, with threonine, which is neutral and polar, at codon 58 of the WDR1 protein (p.Ala58Thr). This variant is not present in population databases (gnomAD no frequency). This variant has not been reported in the literature in individuals affected with WDR1-related conditions. Algorithms developed to predict the effect of missense changes on protein structure and function are either unavailable or do not agree on the potential impact of this missense change (SIFT: "Tolerated"; PolyPhen-2: "Possibly Damaging"; Align-GVGD: "Class C0"). In summary, the available evidence is currently insufficient to determine the role of this variant in disease. Therefore, it has been classified as a Variant of Uncertain Significance.

NM_017491.5(WDR1):c.172G>A (p.Ala58Thr)

Gene: WDR1 (WD repeat domain 1; minus strand). Cytogenetic location: 4p16.1.
Variant type: single nucleotide variant.
Coding change: c.172G>A on transcript NM_017491.5 (MANE Select); coding-DNA position 172, G replaced by A.
Protein change: p.Ala58Thr; replaces alanine 58 with threonine.
Molecular consequence: missense variant. On other transcripts: intron variant (1).
Genome position (GRCh38, 1-based): chr4:10,103,953, C>T on the plus strand (G>A on the coding strand, the complement: WDR1 is on the minus strand). VCF-style: chr4-10103953-C-T. GRCh37 (hg19) VCF-style: chr4-10105577-C-T.
Other names: c.138+12160G>A (NM_005112.5); short protein forms A58T.
Identifiers: ClinVar variation 1519455 (VCV001519455.5), dbSNP rs1391665071, ClinGen allele CA356364821.